The following is an entry in ClinVar:

ClinVar aggregate classification (germline): Uncertain significance. Review status: criteria provided, multiple submitters, no conflicts (2 of 4 stars). 2 submissions from 2 submitters: Uncertain significance (2). Last evaluated 2025-10-13.

Conditions:
Inborn genetic diseases. Identifiers: MedGen C0950123, MeSH D030342.

Allele frequency attached by ClinVar (database versions not stated): ExAC 0.00002; gnomAD exomes 0.00006; gnomAD 0.00002; TOPMed 0.00003; ESP Exome Variant Server 0.00008.

Submissions (2):

Labcorp Genetics (formerly Invitae), Labcorp
Classification: Uncertain significance. Last evaluated: 2025-10-13. Review status: criteria provided, single submitter. Criteria: Invitae Variant Classification Sherloc (09022015). Collection method: clinical testing. Allele origin: germline.
Comment: This sequence change replaces glycine, which is neutral and non-polar, with arginine, which is basic and polar, at codon 310 of the KMT2E protein (p.Gly310Arg). This variant is present in population databases (rs146854411, gnomAD 0.006%). This variant has not been reported in the literature in individuals affected with KMT2E-related conditions. ClinVar contains an entry for this variant (Variation ID: 2866457). Invitae Evidence Modeling of protein sequence and biophysical properties (such as structural, functional, and spatial information, amino acid conservation, physicochemical variation, residue mobility, and thermodynamic stability) indicates that this missense variant is not expected to disrupt KMT2E protein function with a negative predictive value of 80%. In summary, the available evidence is currently insufficient to determine the role of this variant in disease. Therefore, it has been classified as a Variant of Uncertain Significance.

Ambry Genetics
Classification: Uncertain significance for Inborn genetic diseases. Last evaluated: 2024-10-29. Review status: criteria provided, single submitter. Criteria: Ambry Variant Classification Scheme 2023. Collection method: clinical testing. Allele origin: germline.

NM_182931.3(KMT2E):c.928G>A (p.Gly310Arg)

Gene: KMT2E (lysine methyltransferase 2E (inactive); plus strand). Cytogenetic location: 7q22.3.
Variant type: single nucleotide variant.
Coding change: c.928G>A on transcript NM_182931.3 (MANE Select); coding-DNA position 928, G replaced by A.
Protein change: p.Gly310Arg; replaces glycine 310 with arginine.
Molecular consequence: missense variant.
Genome position (GRCh38, 1-based): chr7:105,077,122, G>A. VCF-style: chr7-105077122-G-A. GRCh37 (hg19) VCF-style: chr7-104717569-G-A.
Other names: c.928G>A (NM_182931.2); c.928G>A, p.Gly310Arg (NM_001410908.1, NM_018682.4); short protein forms G310R.
Identifiers: ClinVar variation 2866457 (VCV002866457.4), dbSNP rs146854411, ClinGen allele CA4423877.
Genomic context (GRCh38, chr7:105,077,122, plus strand): 5'-AACCAGTACAGTGAGGGTGTTCAGAGGGAGGCACAAAGAATAGCTCTGAGATTAGGCAAT[G>A]GAAATGACAAAAAAGAGATGAATAAATCCGATTTGAATACCAACAATTTGCTCTTCAAAC-3'
Protein context (NP_891847.1, residues 300-320): AQRIALRLGN[Gly310Arg]NDKKEMNKSD